The following is an entry in ClinVar:

ClinVar aggregate classification (germline): Pathogenic/Likely pathogenic. Review status: criteria provided, multiple submitters, no conflicts (2 of 4 stars). 5 submissions from 5 submitters: Pathogenic (4); Likely pathogenic (1). Last evaluated 2025-09-04.

Conditions:
Hereditary cancer-predisposing syndrome. Also called: Hereditary neoplastic syndrome; Tumor predisposition; Hereditary Cancer Syndrome; Neoplastic Syndromes, Hereditary. Identifiers: Orphanet 140162, MedGen C0027672, MeSH D009386, MONDO:0015356.
Familial cancer of breast. Also called: hereditary breast carcinoma; Hereditary breast cancer; BREAST CANCER, FAMILIAL. Identifiers: Orphanet 227535, MedGen C0346153, MONDO:0016419, OMIM 114480. Disease mechanism: loss of function.

Submissions (5):

Labcorp Genetics (formerly Invitae), Labcorp
Classification: Pathogenic for Familial cancer of breast. Last evaluated: 2025-09-04. Review status: criteria provided, single submitter. Criteria: Invitae Variant Classification Sherloc (09022015). Collection method: clinical testing. Allele origin: germline.
Comment: This sequence change creates a premature translational stop signal (p.Ser288Lysfs*15) in the PALB2 gene. It is expected to result in an absent or disrupted protein product. Loss-of-function variants in PALB2 are known to be pathogenic (PMID: 17200668, 17200671, 17200672, 24136930, 25099575). This variant is not present in population databases (gnomAD no frequency). This premature translational stop signal has been observed in individual(s) with breast cancer (PMID: 26283626). ClinVar contains an entry for this variant (Variation ID: 219897). For these reasons, this variant has been classified as Pathogenic.

Myriad Genetics, Inc.
Classification: Pathogenic for Familial cancer of breast. Last evaluated: 2023-09-07. Review status: criteria provided, single submitter. Criteria: Myriad Autosomal Dominant, Autosomal Recessive and X-Linked Classification Criteria (2023). Collection method: clinical testing. Allele origin: unknown.
Comment: This variant is considered pathogenic. This variant creates a frameshift predicted to result in premature protein truncation.

GeneDx
Classification: Pathogenic. Last evaluated: 2022-07-13. Review status: criteria provided, single submitter. Criteria: GeneDx Variant Classification Process June 2021. Collection method: clinical testing. Allele origin: germline. Affected: yes.
Comment: Frameshift variant predicted to result in protein truncation or nonsense mediated decay in a gene for which loss of function is a known mechanism of disease; Not observed at significant frequency in large population cohorts (gnomAD); Observed in individuals with breast cancer (Thompson et al., 2015; Adaniel et al., 2019); This variant is associated with the following publications: (PMID: 31125277, 26283626)

Ambry Genetics
Classification: Pathogenic for Hereditary cancer-predisposing syndrome. Last evaluated: 2018-10-18. Review status: criteria provided, single submitter. Criteria: Ambry Variant Classification Scheme 2023. Collection method: clinical testing. Allele origin: germline.
Comment: The c.860dupT pathogenic mutation, located in coding exon 4 of the PALB2 gene, results from a duplication of T at nucleotide position 860, causing a translational frameshift with a predicted alternate stop codon (p.S288Kfs*15). This alteration was identified in 1/1996 high risk breast cancer patients and 0/1998 unaffected controls (Thompson ER et al. Breast Cancer Res. 2015 Aug;17:111). In addition to the clinical data presented in the literature, this alteration is expected to result in loss of function by premature protein truncation or nonsense-mediated mRNA decay. As such, this alteration is interpreted as a disease-causing mutation.

Cancer Genetics Laboratory, Peter MacCallum Cancer Centre
Classification: Likely pathogenic for Familial cancer of breast. Last evaluated: 2015-06-01. Review status: criteria provided, single submitter. Criteria: Thompson et al. (Breast Cancer Res. 2015). Collection method: case-control. Allele origin: germline. Affected: yes. Observed: 1 variant allele, 1 heterozygote.

Literature cited by the submitters: PubMed 17200668 (cited by Labcorp Genetics (formerly Invitae), Labcorp); PubMed 17200671 (cited by Labcorp Genetics (formerly Invitae), Labcorp); PubMed 17200672 (cited by Labcorp Genetics (formerly Invitae), Labcorp); PubMed 24136930 (cited by Labcorp Genetics (formerly Invitae), Labcorp); PubMed 25099575 (cited by Labcorp Genetics (formerly Invitae), Labcorp); PubMed 26283626 (cited by Labcorp Genetics (formerly Invitae), Labcorp and Ambry Genetics).

NM_024675.4(PALB2):c.860dup (p.Ser288fs)

Gene: PALB2 (partner and localizer of BRCA2; minus strand). Cytogenetic location: 16p12.2.
Variant type: Duplication.
Coding change: c.860dup on transcript NM_024675.4 (MANE Select); coding-DNA position 860, one base duplicated (T; older notation c.860dupT).
Protein change: p.Ser288fs; shifts the reading frame from serine 288.
Molecular consequence: frameshift variant.
Genome position (GRCh38, 1-based): chr16:23,635,686, A duplicated on the plus strand (T on the coding strand, the reverse complement: PALB2 is on the minus strand). VCF-style (leftmost placement, unchanged base first): chr16-23635685-T-TA. GRCh37 (hg19) VCF-style: chr16-23647006-T-TA.
Other names: c.860dupT (NM_024675.3); short protein forms S288fs.
Identifiers: ClinVar variation 219897 (VCV000219897.19), dbSNP rs864622301, ClinGen allele CA348706.
Genomic context (GRCh38, chr16:23,635,685, plus strand): 5'-TTTATTTACAAGGAGGTTATCTGTAGAGACAGTCATTTTTTTGCCTTGTGCCTCCAAACT[T>TA]ACAGGTGAAGTAAATCTAATGTTTTTTAGGTCGTGAGTAGTAAGTTCACTGCTACCTTTA-3'